The following is an entry in ClinVar:

NM_000059.4(BRCA2):c.9371A>G (p.Asn3124Ser)

Gene: BRCA2 (BRCA2 DNA repair associated; plus strand). Cytogenetic location: 13q13.1.
Variant type: single nucleotide variant.
Coding change: c.9371A>G on transcript NM_000059.4 (MANE Select); coding-DNA position 9371, A replaced by G.
Protein change: p.Asn3124Ser; replaces asparagine 3124 with serine.
Molecular consequence: missense variant.
Genome position (GRCh38, 1-based): chr13:32,394,803, A>G. VCF-style: chr13-32394803-A-G. GRCh37 (hg19) VCF-style: chr13-32968940-A-G.
Other names: short protein forms N3124S.
Identifiers: ClinVar variation 987839 (VCV000987839.4), dbSNP rs28897759, ClinGen allele CA6941380.

ClinVar aggregate classification (germline): Uncertain significance. Review status: criteria provided, multiple submitters, no conflicts (2 of 4 stars). 2 submissions from 2 submitters: Uncertain significance (2). Last evaluated 2023-05-16.

Conditions:
Hereditary breast ovarian cancer syndrome. Also called: Hereditary breast and ovarian cancer syndrome; Hereditary breast and ovarian cancer syndrome (HBOC); Breast and ovarian cancer; Hereditary breast and/or ovarian cancer syndrome; Hereditary breast and ovarian cancer; BRCA1- and BRCA2-Associated Hereditary Breast and Ovarian Cancer. Identifiers: Orphanet 145, MedGen C0677776, MeSH D061325, MONDO:0003582. Disease mechanism: loss of function.

Submissions (2):

Labcorp Genetics (formerly Invitae), Labcorp
Classification: Uncertain significance for Hereditary breast ovarian cancer syndrome. Last evaluated: 2023-05-16. Review status: criteria provided, single submitter. Criteria: Invitae Variant Classification Sherloc (09022015). Collection method: clinical testing. Allele origin: germline.
Comment: This variant disrupts the p.Asn3124 amino acid residue in BRCA2. Other variant(s) that disrupt this residue have been determined to be pathogenic (PMID: 11802209, 20383589, 22678057, 23108138, 24728577, 25085752, 25948282). This suggests that this residue is clinically significant, and that variants that disrupt this residue are likely to be disease-causing. Advanced modeling of protein sequence and biophysical properties (such as structural, functional, and spatial information, amino acid conservation, physicochemical variation, residue mobility, and thermodynamic stability) has been performed at Invitae for this missense variant, however the output from this modeling did not meet the statistical confidence thresholds required to predict the impact of this variant on BRCA2 protein function. ClinVar contains an entry for this variant (Variation ID: 987839). This variant has not been reported in the literature in individuals affected with BRCA2-related conditions. This variant is present in population databases (rs28897759, gnomAD 0.0009%). This sequence change replaces asparagine, which is neutral and polar, with serine, which is neutral and polar, at codon 3124 of the BRCA2 protein (p.Asn3124Ser). In summary, the available evidence is currently insufficient to determine the role of this variant in disease. Therefore, it has been classified as a Variant of Uncertain Significance.

Women's Health and Genetics/Laboratory Corporation of America, LabCorp
Classification: Uncertain significance. Last evaluated: 2020-11-23. Review status: criteria provided, single submitter. Criteria: LabCorp Variant Classification Summary - May 2015. Collection method: clinical testing. Allele origin: germline.
Comment: Variant summary: BRCA2 c.9371A>G (p.Asn3124Ser) results in a conservative amino acid change located in the BRCA2, OB3 domain (IPR015188) of the encoded protein sequence. Four of five in-silico tools predict a damaging effect of the variant on protein function. The variant allele was found at a frequency of 4e-06 in 251346 control chromosomes. The available data on variant occurrences in the general population are insufficient to allow any conclusion about variant significance. To our knowledge, no occurrence of c.9371A>G in individuals affected with Hereditary Breast And Ovarian Cancer Syndrome and no experimental evidence demonstrating its impact on protein function have been reported. No clinical diagnostic laboratories have submitted clinical-significance assessments for this variant to ClinVar after 2014. Of note, a different nucleotide change, c.9371A>T that results in a different amino acid change at the same codon location (p.Asn3124Ile) has been classified as pathogenic by our laboratory among other submitters, to include an expert panel (ENIGMA), in the ClinVar database. Based on the absence of clinical and functional evidence as outlined above, this variant was classified as uncertain significance.

Literature cited by the submitters: PubMed 11802209 (cited by Labcorp Genetics (formerly Invitae), Labcorp); PubMed 20383589 (cited by Labcorp Genetics (formerly Invitae), Labcorp); PubMed 22678057 (cited by Labcorp Genetics (formerly Invitae), Labcorp); PubMed 23108138 (cited by Labcorp Genetics (formerly Invitae), Labcorp); PubMed 24728577 (cited by Labcorp Genetics (formerly Invitae), Labcorp); PubMed 25085752 (cited by Labcorp Genetics (formerly Invitae), Labcorp); PubMed 25948282 (cited by Labcorp Genetics (formerly Invitae), Labcorp).